The following is an entry in ClinVar:

NM_002769.5(PRSS1):c.428G>C (p.Gly143Ala)

Genes: TRB (T cell receptor beta locus; plus strand), PRSS1 (serine protease 1; plus strand). Cytogenetic location: 7q34.
Variant type: single nucleotide variant.
Coding change: c.428G>C on transcript NM_002769.5 (MANE Select); coding-DNA position 428, G replaced by C.
Protein change: p.Gly143Ala; replaces glycine 143 with alanine.
Molecular consequence: missense variant. On other transcripts: non-coding transcript variant (5).
Genome position (GRCh38, 1-based): chr7:142,752,001, G>C. VCF-style: chr7-142752001-G-C. GRCh37 (hg19) VCF-style: chr7-142459852-G-C.
Other names: short protein forms G143A.
Identifiers: ClinVar variation 3426291 (VCV003426291.1).
Genomic context (GRCh38, chr7:142,752,001, plus strand): 5'-TGTCCACCATCTCTCTGCCCACCGCCCCTCCAGCCACTGGCACGAAGTGCCTCATCTCTG[G>C]CTGGGGCAACACTGCGAGCTCTGGCGGTGAGTGGGACCCTTAGTCCTTCTACTTCCCTCC-3'
Protein context (NP_002760.1, residues 133-153): PATGTKCLIS[Gly143Ala]WGNTASSGAD

ClinVar aggregate classification (germline): Uncertain significance (1 of 4 stars; one submission).

Conditions:
Hereditary pancreatitis (PCTT). Also called: Hereditary chronic pancreatitis; PRSS1-Related Hereditary Pancreatitis. Identifiers: Orphanet 676, MedGen C0238339, MONDO:0008185, OMIM 167800.

Submission:

Ambry Genetics
Classification: Uncertain significance for Hereditary pancreatitis. Last evaluated: 2024-11-26. Review status: criteria provided, single submitter. Criteria: Ambry Variant Classification Scheme 2023. Collection method: clinical testing. Allele origin: germline.
Comment: The p.G143A variant (also known as c.428G>C), located in coding exon 3 of the PRSS1 gene, results from a G to C substitution at nucleotide position 428. The glycine at codon 143 is replaced by alanine, an amino acid with similar properties. This amino acid position is conserved. In addition, this alteration is predicted to be deleterious by in silico analysis. Based on the available evidence, the clinical significance of this variant remains unclear.